The following is an entry in ClinVar:

NM_001167.4(XIAP):c.679T>C (p.Cys227Arg)

Gene: XIAP (X-linked inhibitor of apoptosis; plus strand). Cytogenetic location: Xq25.
Variant type: single nucleotide variant.
Coding change: c.679T>C on transcript NM_001167.4 (MANE Select); coding-DNA position 679, T replaced by C.
Protein change: p.Cys227Arg; replaces cysteine 227 with arginine.
Molecular consequence: missense variant.
Genome position (GRCh38, 1-based): chrX:123,886,341, T>C. VCF-style: chrX-123886341-T-C. GRCh37 (hg19) VCF-style: chrX-123020191-T-C.
Other names: c.679T>C, p.Cys227Arg (NM_001204401.2, NM_001378590.1, NM_001378591.1 and 1 more transcripts); short protein forms C227R.
Identifiers: ClinVar variation 4076946 (VCV004076946.1).

ClinVar aggregate classification (germline): Uncertain significance (1 of 4 stars; one submission).

Conditions:
X-linked lymphoproliferative disease due to XIAP deficiency. Also called: XIAP-Related Lymphoproliferative Disease, X-Linked; XIAP DEFICIENCY. Identifiers: Orphanet 2442, Orphanet 538934, MedGen C1845076, MONDO:0010385, OMIM 300635.

Submission:

The Children Hospital of Philadelphia, University of Pennsylvania
Classification: Uncertain significance for X-linked lymphoproliferative disease due to XIAP deficiency. Last evaluated: 2025-08-01. Review status: criteria provided, single submitter. Criteria: ACMG Guidelines, 2015. Collection method: clinical testing. Allele origin: germline. Inheritance: X-linked recessive inheritance. Affected: yes. Observed: 1 hemizygote.
Comment: The missense variant p.C227R in XIAP (NM_001167.3) has not been reported previously as a pathogenic variant nor as a benign variant, to our knowledge. The p.C227R variant is novel (not in any individuals) in gnomAD Exomes and is novel (not in any individuals) in 1000 Genomes. There is a large physicochemical difference between cysteine and arginine, which is likely to impact secondary protein structure as these residues differ in polarity, charge, size and/or other properties. The p.C227R missense variant is predicted to be damaging by both SIFT and PolyPhen2. The cysteine residue at codon 227 of XIAP is conserved in all mammalian species. The nucleotide c.679 in XIAP is predicted conserved by GERP++ and PhyloP across 100 vertebrates. For these reasons, this variant has been classified as Uncertain Significance.